The following is an entry in ClinVar:

ClinVar aggregate classification (germline): Uncertain significance (1 of 4 stars; one submission).

gnomAD v4.1: 8 of 1,577,982 alleles (0.00051%); highest among the groups gnomAD compares: Non-Finnish European, 0.00069%; no homozygotes.

Submission:

Labcorp Genetics (formerly Invitae), Labcorp
Classification: Uncertain significance. Last evaluated: 2025-02-24. Review status: criteria provided, single submitter. Criteria: Invitae Variant Classification Sherloc (09022015). Collection method: clinical testing. Allele origin: germline.
Comment: This sequence change replaces proline, which is neutral and non-polar, with alanine, which is neutral and non-polar, at codon 1017 of the COL18A1 protein (p.Pro1017Ala). This variant is not present in population databases (gnomAD no frequency). This variant has not been reported in the literature in individuals affected with COL18A1-related conditions. ClinVar contains an entry for this variant (Variation ID: 1382782). Experimental studies and prediction algorithms are not available or were not evaluated, and the functional significance of this variant is currently unknown. In summary, the available evidence is currently insufficient to determine the role of this variant in disease. Therefore, it has been classified as a Variant of Uncertain Significance.

NM_001379500.1(COL18A1):c.3058C>G (p.Pro1020Ala)

Genes: SLC19A1 (solute carrier family 19 member 1; minus strand), COL18A1 (collagen type XVIII alpha 1 chain; plus strand). Cytogenetic location: 21q22.3.
Variant type: single nucleotide variant.
Coding change: c.3058C>G on transcript NM_001379500.1 (MANE Select); coding-DNA position 3058, C replaced by G.
Protein change: p.Pro1020Ala; replaces proline 1020 with alanine.
Molecular consequence: missense variant.
Genome position (GRCh38, 1-based): chr21:45,505,402, C>G. VCF-style: chr21-45505402-C-G. GRCh37 (hg19) VCF-style: chr21-46925316-C-G.
Other names: c.3589C>G, p.Pro1197Ala (NM_030582.4); c.4294C>G, p.Pro1432Ala (NM_130444.3); short protein forms P1432A, P1020A, P1197A.
Identifiers: ClinVar variation 1382782 (VCV001382782.6), dbSNP rs1370299892, ClinGen allele CA410499749.